The following is an entry in ClinVar:

ClinVar aggregate classification (germline): Uncertain significance (1 of 4 stars; one submission).

Conditions:
Transcobalamin II deficiency (TCN2D). Also called: Transcolabamin II deficiency; TC II DEFICIENCY; TCN2 DEFICIENCY. Identifiers: Orphanet 859, MedGen C0342701, MONDO:0010149, OMIM 275350.

gnomAD v4.1: 3 of 1,614,000 alleles (0.00019%); highest among the groups gnomAD compares: East Asian, 0.0045%; no homozygotes.

Submission:

Labcorp Genetics (formerly Invitae), Labcorp
Classification: Uncertain significance for Transcobalamin II deficiency. Last evaluated: 2022-06-15. Review status: criteria provided, single submitter. Criteria: Invitae Variant Classification Sherloc (09022015). Collection method: clinical testing. Allele origin: germline.
Comment: This sequence change replaces threonine, which is neutral and polar, with arginine, which is basic and polar, at codon 369 of the TCN2 protein (p.Thr369Arg). This variant is present in population databases (no rsID available, gnomAD 0.02%). This variant has not been reported in the literature in individuals affected with TCN2-related conditions. Algorithms developed to predict the effect of missense changes on protein structure and function output the following: SIFT: "Tolerated"; PolyPhen-2: "Benign"; Align-GVGD: "Class C0". The arginine amino acid residue is found in multiple mammalian species, which suggests that this missense change does not adversely affect protein function. Algorithms developed to predict the effect of sequence changes on RNA splicing suggest that this variant may create or strengthen a splice site. In summary, the available evidence is currently insufficient to determine the role of this variant in disease. Therefore, it has been classified as a Variant of Uncertain Significance.

NM_000355.4(TCN2):c.1106C>G (p.Thr369Arg)

Gene: TCN2 (transcobalamin 2; plus strand). Cytogenetic location: 22q12.2.
Variant type: single nucleotide variant.
Coding change: c.1106C>G on transcript NM_000355.4 (MANE Select); coding-DNA position 1106, C replaced by G.
Protein change: p.Thr369Arg; replaces threonine 369 with arginine.
Molecular consequence: missense variant.
Genome position (GRCh38, 1-based): chr22:30,617,495, C>G. VCF-style: chr22-30617495-C-G. GRCh37 (hg19) VCF-style: chr22-31013482-C-G.
Other names: c.1025C>G, p.Thr342Arg (NM_001184726.2); short protein forms T369R, T342R.
Identifiers: ClinVar variation 2103661 (VCV002103661.1), dbSNP rs376218060, ClinGen allele CA411215887.